The following is an entry in ClinVar:

NM_199420.4(POLQ):c.794G>T (p.Ser265Ile)

Gene: POLQ (DNA polymerase theta; minus strand). Cytogenetic location: 3q13.33.
Variant type: single nucleotide variant.
Coding change: c.794G>T on transcript NM_199420.4 (MANE Select); coding-DNA position 794, G replaced by T.
Protein change: p.Ser265Ile; replaces serine 265 with isoleucine.
Molecular consequence: missense variant.
Genome position (GRCh38, 1-based): chr3:121,533,156, C>A on the plus strand (G>T on the coding strand, the complement: POLQ is on the minus strand). VCF-style: chr3-121533156-C-A. GRCh37 (hg19) VCF-style: chr3-121252003-C-A.
Other names: short protein forms S265I.
Identifiers: ClinVar variation 1761358 (VCV001761358.2), dbSNP rs2546819747, ClinGen allele CA354126631.

ClinVar aggregate classification (germline): Uncertain significance (1 of 4 stars; one submission).

Submission:

Ambry Genetics
Classification: Uncertain significance. Last evaluated: 2022-02-08. Review status: criteria provided, single submitter. Criteria: Ambry Variant Classification Scheme 2023. Collection method: clinical testing. Allele origin: germline.
Comment: The p.S265I variant (also known as c.794G>T), located in coding exon 6 of the POLQ gene, results from a G to T substitution at nucleotide position 794. The serine at codon 265 is replaced by isoleucine, an amino acid with dissimilar properties. This amino acid position is conserved. In addition, this alteration is predicted to be deleterious by in silico analysis. Since supporting evidence is limited at this time, the clinical significance of this alteration remains unclear.